The following is an entry in ClinVar:

NM_015331.3(NCSTN):c.1748G>A (p.Arg583Gln)

Gene: NCSTN (nicastrin; plus strand). Cytogenetic location: 1q23.2.
Variant type: single nucleotide variant.
Coding change: c.1748G>A on transcript NM_015331.3 (MANE Select); coding-DNA position 1748, G replaced by A.
Protein change: p.Arg583Gln; replaces arginine 583 with glutamine.
Molecular consequence: missense variant.
Genome position (GRCh38, 1-based): chr1:160,356,708, G>A. VCF-style: chr1-160356708-G-A. GRCh37 (hg19) VCF-style: chr1-160326498-G-A.
Other names: c.1688G>A, p.Arg563Gln (NM_001290184.2); c.1334G>A, p.Arg445Gln (NM_001290186.2); c.1748G>A, p.Arg583Gln (NM_001349729.2); short protein forms R563Q, R445Q, R583Q.
Identifiers: ClinVar variation 4625893 (VCV004625893.2).

ClinVar aggregate classification (germline): Uncertain significance. Review status: criteria provided, multiple submitters, no conflicts (2 of 4 stars). 2 submissions from 2 submitters: Uncertain significance (2). Last evaluated 2025-12-01.

Conditions:
Inborn genetic diseases. Identifiers: MedGen C0950123, MeSH D030342.

gnomAD v4.1: 4 of 1,614,228 alleles (0.00025%); highest among the groups gnomAD compares: Non-Finnish European, 0.00025%; no homozygotes.

Submissions (2):

Labcorp Genetics (formerly Invitae), Labcorp
Classification: Uncertain significance. Last evaluated: 2025-12-01. Review status: criteria provided, single submitter. Criteria: Invitae Variant Classification Sherloc (09022015). Collection method: clinical testing. Allele origin: germline.
Comment: This sequence change replaces arginine, which is basic and polar, with glutamine, which is neutral and polar, at codon 583 of the NCSTN protein (p.Arg583Gln). This variant is present in population databases (rs200672191, gnomAD 0.0009%). This variant has not been reported in the literature in individuals affected with NCSTN-related conditions. Invitae Evidence Modeling of protein sequence and biophysical properties (such as structural, functional, and spatial information, amino acid conservation, physicochemical variation, residue mobility, and thermodynamic stability) indicates that this missense variant is not expected to disrupt NCSTN protein function with a negative predictive value of 80%. In summary, the available evidence is currently insufficient to determine the role of this variant in disease. Therefore, it has been classified as a Variant of Uncertain Significance.

Ambry Genetics
Classification: Uncertain significance for Inborn genetic diseases. Last evaluated: 2025-10-08. Review status: criteria provided, single submitter. Criteria: Ambry Variant Classification Scheme 2023. Collection method: clinical testing. Allele origin: germline.